The following is an entry in ClinVar:

NM_004004.6(GJB2):c.94C>A (p.Arg32Ser)

Gene: GJB2 (gap junction protein beta 2; minus strand). Cytogenetic location: 13q12.11.
Variant type: single nucleotide variant.
Coding change: c.94C>A on transcript NM_004004.6 (MANE Select); coding-DNA position 94, C replaced by A.
Protein change: p.Arg32Ser; replaces arginine 32 with serine.
Molecular consequence: missense variant.
Genome position (GRCh38, 1-based): chr13:20,189,488, G>T on the plus strand (C>A on the coding strand, the complement: GJB2 is on the minus strand). VCF-style: chr13-20189488-G-T. GRCh37 (hg19) VCF-style: chr13-20763627-G-T.
Other names: short protein forms R32S.
Identifiers: ClinVar variation 550195 (VCV000550195.13), dbSNP rs371024165, ClinGen allele CA387461995.

ClinVar aggregate classification (germline): Pathogenic. Review status: criteria provided, multiple submitters, no conflicts (2 of 4 stars). 5 submissions from 5 submitters: Pathogenic (4). 1 of the submissions does not count toward it. Last evaluated 2025-11-13.

Conditions:
Autosomal recessive nonsyndromic hearing loss 1A (DFNB1A). Also called: GJB6-Related DFNB 1 Nonsyndromic Hearing Loss and Deafness; Deafness, autosomal recessive 1A; Deafness nonsyndromic, Connexin 26 linked; Connexin 26 deafness; Nonsyndromic Hearing Loss and Deafness, DFNB1; GJB2-Related Autosomal Recessive Nonsyndromic Hearing Loss. Identifiers: Orphanet 90636, MedGen C2673759, MONDO:0009076, OMIM 220290.
X-linked mixed hearing loss with perilymphatic gusher. Also called: Deafness, X-linked 2; Gusher syndrome; NANCE DEAFNESS; PERILYMPHATIC GUSHER-DEAFNESS SYNDROME; SENSORINEURAL DEAFNESS, PROFOUND, WITH OR WITHOUT A CONDUCTIVE COMPONENT, ASSOCIATED WITH A UNIQUE DEVELOPMENTAL ABNORMALITY OF THE EAR. Identifiers: Orphanet 383, MedGen C1844678, MONDO:0010576, OMIM 304400.
Mutilating keratoderma (VOWNKL). Also called: Keratoderma hereditarium mutilans. Identifiers: Orphanet 494, MedGen C0265964, MONDO:0007422, OMIM 124500.
Ichthyosis, hystrix-like, with hearing loss. Also called: Hystrix-like ichthyosis with deafness. Identifiers: Orphanet 477, MedGen C1865234, MONDO:0011245.
Palmoplantar keratoderma-deafness syndrome. Also called: Keratoderma palmoplantar, with deafness; Palmoplantar keratoderma and sensorineural deafness; Hereditary palmoplantar keratoderma with deafness (subtype); Focal palmoplantar keratoderma with sensorineural deafness (subtype); Diffuse palmoplantar keratoderma with deafness (subtype). Identifiers: Orphanet 2202, MedGen C1835672, MONDO:0007852, OMIM 148350.
Knuckle pads, deafness AND leukonychia syndrome. Also called: Bart-Pumphrey syndrome. Identifiers: Orphanet 2698, MedGen C0266004, MONDO:0007866, OMIM 149200.
Autosomal dominant keratitis-ichthyosis-hearing loss syndrome. Also called: HID SYNDROME; Senter syndrome; KID SYNDROME, AUTOSOMAL DOMINANT. Identifiers: Orphanet 477, MedGen C0265336, MONDO:0007850, OMIM 148210.
Autosomal dominant nonsyndromic hearing loss 3A. Identifiers: Orphanet 90635, MedGen C2675750, MONDO:0011103, OMIM 601544.

Submissions (5):

Natera, Inc.
Classification: Pathogenic for Autosomal recessive deafness type 1A. Last evaluated: 2025-11-13. Review status: criteria provided, single submitter. Criteria: Natera Variant Classification Schema (03/2026). Collection method: clinical testing. Allele origin: germline.
Comment: The c.94C>A variant in GJB2 is a missense variant predicted to cause substitution of arginine to serine at amino acid 32. This variant is rare in the general population with a frequency below the threshold expected for the associated phenotype(s). This variant has been observed in one or more individuals affected with the associated recessive disease, as either homozygous or compound heterozygous with a second variant (PMID: 31370293). A different variant at the same position has been determined to be Pathogenic or Likely Pathogenic. Computational prediction algorithms indicate this variant is likely to affect gene or protein function. Given the available evidence, this variant is classified as Pathogenic.

Labcorp Genetics (formerly Invitae), Labcorp
Classification: Pathogenic. Last evaluated: 2024-08-22. Review status: criteria provided, single submitter. Criteria: Invitae Variant Classification Sherloc (09022015). Collection method: clinical testing. Allele origin: germline.
Comment: This sequence change replaces arginine, which is basic and polar, with serine, which is neutral and polar, at codon 32 of the GJB2 protein (p.Arg32Ser). This variant is present in population databases (no rsID available, gnomAD 0.006%). This missense change has been observed in individuals with autosomal recessive non-syndromic deafness (PMID: 21112098, 24774219, 26553399, 31370293). ClinVar contains an entry for this variant (Variation ID: 550195). Invitae Evidence Modeling of protein sequence and biophysical properties (such as structural, functional, and spatial information, amino acid conservation, physicochemical variation, residue mobility, and thermodynamic stability) indicates that this missense variant is expected to disrupt GJB2 protein function with a positive predictive value of 95%. Algorithms developed to predict the effect of sequence changes on RNA splicing suggest that this variant may create or strengthen a splice site. This variant disrupts the p.Arg32 amino acid residue in GJB2. Other variant(s) that disrupt this residue have been determined to be pathogenic (PMID: 11102979, 19371219, 21465647, 26346709, 27045574). This suggests that this residue is clinically significant, and that variants that disrupt this residue are likely to be disease-causing. For these reasons, this variant has been classified as Pathogenic.

GeneDx
Classification: Pathogenic. Last evaluated: 2023-09-08. Review status: criteria provided, single submitter. Criteria: GeneDx Variant Classification Process June 2021. Collection method: clinical testing. Allele origin: germline. Affected: yes.
Comment: In silico analysis supports that this missense variant has a deleterious effect on protein structure/function; This variant is associated with the following publications: (PMID: 31370293, 21112098, 26553399, 24774219, 33753912)

Fulgent Genetics
Classification: Pathogenic for Mutilating keratoderma; Autosomal dominant keratitis-ichthyosis-hearing loss syndrome; Palmoplantar keratoderma-deafness syndrome; Knuckle pads, deafness AND leukonychia syndrome; Autosomal recessive nonsyndromic hearing loss 1A; X-linked mixed hearing loss with perilymphatic gusher; Autosomal dominant nonsyndromic hearing loss 3A. Last evaluated: 2018-10-31. Review status: criteria provided, single submitter. Criteria: ACMG Guidelines, 2015. Collection method: clinical testing. Allele origin: unknown.

Counsyl
Classification: Likely pathogenic for Autosomal recessive nonsyndromic hearing loss 1A. Last evaluated: 2016-12-21. Review status: no assertion criteria provided. Collection method: clinical testing. Allele origin: unknown. Not counted in ClinVar's aggregate classification.

Literature cited by the submitters: PubMed 31370293 (cited by Natera, Inc. and Labcorp Genetics (formerly Invitae), Labcorp); PubMed 21112098 (cited by Labcorp Genetics (formerly Invitae), Labcorp and Counsyl); PubMed 24774219 (cited by Labcorp Genetics (formerly Invitae), Labcorp and Counsyl); PubMed 26553399 (cited by Labcorp Genetics (formerly Invitae), Labcorp and Counsyl); PubMed 11102979 (cited by Labcorp Genetics (formerly Invitae), Labcorp); PubMed 19371219 (cited by Labcorp Genetics (formerly Invitae), Labcorp); PubMed 21465647 (cited by Labcorp Genetics (formerly Invitae), Labcorp); PubMed 26346709 (cited by Labcorp Genetics (formerly Invitae), Labcorp); PubMed 27045574 (cited by Labcorp Genetics (formerly Invitae), Labcorp).